The following is an entry in ClinVar:

ClinVar aggregate classification (germline): Uncertain significance (1 of 4 stars; one submission).

Allele frequency attached by ClinVar (database versions not stated): gnomAD exomes below 0.00001.
gnomAD v4.1: 1 of 1,614,020 alleles (0.000062%); highest among the groups gnomAD compares: Non-Finnish European, 0.000085%; no homozygotes.

Submission:

Labcorp Genetics (formerly Invitae), Labcorp
Classification: Uncertain significance. Last evaluated: 2022-05-10. Review status: criteria provided, single submitter. Criteria: Invitae Variant Classification Sherloc (09022015). Collection method: clinical testing. Allele origin: germline.
Comment: In summary, the available evidence is currently insufficient to determine the role of this variant in disease. Therefore, it has been classified as a Variant of Uncertain Significance. Algorithms developed to predict the effect of missense changes on protein structure and function output the following: SIFT: "Tolerated"; PolyPhen-2: "Benign"; Align-GVGD: "Class C0". The threonine amino acid residue is found in multiple mammalian species, which suggests that this missense change does not adversely affect protein function. This variant has not been reported in the literature in individuals affected with TUBGCP6-related conditions. This variant is not present in population databases (gnomAD no frequency). This sequence change replaces alanine, which is neutral and non-polar, with threonine, which is neutral and polar, at codon 185 of the TUBGCP6 protein (p.Ala185Thr).

NM_020461.4(TUBGCP6):c.553G>A (p.Ala185Thr)

Gene: TUBGCP6 (tubulin gamma complex component 6; minus strand). Cytogenetic location: 22q13.33.
Variant type: single nucleotide variant.
Coding change: c.553G>A on transcript NM_020461.4 (MANE Select); coding-DNA position 553, G replaced by A.
Protein change: p.Ala185Thr; replaces alanine 185 with threonine.
Molecular consequence: missense variant.
Genome position (GRCh38, 1-based): chr22:50,243,907, C>T on the plus strand (G>A on the coding strand, the complement: TUBGCP6 is on the minus strand). VCF-style: chr22-50243907-C-T. GRCh37 (hg19) VCF-style: chr22-50682336-C-T.
Other names: short protein forms A185T.
Identifiers: ClinVar variation 1912364 (VCV001912364.5), dbSNP rs2064882061, ClinGen allele CA412114960.